The following is an entry in ClinVar:

NM_033026.6(PCLO):c.11470C>T (p.Leu3824Phe)

Gene: PCLO (piccolo presynaptic cytomatrix protein; minus strand). Cytogenetic location: 7q21.11.
Variant type: single nucleotide variant.
Coding change: c.11470C>T on transcript NM_033026.6 (MANE Select); coding-DNA position 11470, C replaced by T.
Protein change: p.Leu3824Phe; replaces leucine 3824 with phenylalanine.
Molecular consequence: missense variant.
Genome position (GRCh38, 1-based): chr7:82,916,516, G>A on the plus strand (C>T on the coding strand, the complement: PCLO is on the minus strand). VCF-style: chr7-82916516-G-A. GRCh37 (hg19) VCF-style: chr7-82545832-G-A.
Other names: c.11470C>T, p.Leu3824Phe (NM_014510.3); short protein forms L3824F.
Identifiers: ClinVar variation 3685623 (VCV003685623.2).
Genomic context (GRCh38, chr7:82,916,516, plus strand): 5'-GTCTTGTGCTACTCACTTCACTGTCAGACATGTAATCACGATCCTCAGCTACTCCCTGGA[G>A]GTAGGCTCGTTCTCTCTTTTCTCTCTCCTTTAATAGGGCCTCTTTCCTCCTGTTAATTCC-3'
Protein context (NP_149015.2, residues 3814-3834): KEREKRERAY[Leu3824Phe]QGVAEDRDYM

ClinVar aggregate classification (germline): Uncertain significance (1 of 4 stars; one submission).

Submission:

Labcorp Genetics (formerly Invitae), Labcorp
Classification: Uncertain significance. Last evaluated: 2024-02-23. Review status: criteria provided, single submitter. Criteria: Invitae Variant Classification Sherloc (09022015). Collection method: clinical testing. Allele origin: germline.
Comment: This sequence change replaces leucine, which is neutral and non-polar, with phenylalanine, which is neutral and non-polar, at codon 3824 of the PCLO protein (p.Leu3824Phe). This variant is not present in population databases (gnomAD no frequency). This variant has not been reported in the literature in individuals affected with PCLO-related conditions. Experimental studies and prediction algorithms are not available or were not evaluated, and the functional significance of this variant is currently unknown. In summary, the available evidence is currently insufficient to determine the role of this variant in disease. Therefore, it has been classified as a Variant of Uncertain Significance.